The following is an entry in ClinVar:

NM_015629.4(PRPF31):c.1065C>T (p.Gly355=)

Gene: PRPF31 (pre-mRNA processing factor 31; plus strand). Cytogenetic location: 19q13.42.
Variant type: single nucleotide variant.
Coding change: c.1065C>T on transcript NM_015629.4 (MANE Select); coding-DNA position 1065, C replaced by T.
Protein change: p.Gly355=; no amino-acid change (glycine 355 retained).
Molecular consequence: synonymous variant.
Genome position (GRCh38, 1-based): chr19:54,128,192, C>T. VCF-style: chr19-54128192-C-T. GRCh37 (hg19) VCF-style: chr19-54631567-C-T.
Other names: c.1065C>T (NM_015629.3).
Identifiers: ClinVar variation 1398206 (VCV001398206.9), dbSNP rs776690225, ClinGen allele CA309329316.
Genomic context (GRCh38, chr19:54,128,192, plus strand): 5'-GCCTGTGAAGCAGGTGAAGCCGCTGCCTGCGCCCCTGGATGGACAGCGGAAGAAGCGAGG[C>T]GGCCGCAGGTGAGGGGCCCTGGGGGTCCGGTAGGCATGGGGGTCATGGAGGGGAGAAGCC-3'
Protein context (NP_056444.3, residues 345-365): APLDGQRKKR[Gly355=]GRRYRKMKER

ClinVar aggregate classification (germline): Likely benign. Review status: criteria provided, multiple submitters, no conflicts (2 of 4 stars). 3 submissions from 3 submitters: Likely benign (3). Last evaluated 2026-04-08.

Conditions:
PRPF31-related disorder. Also called: PRPF31-related condition.

Allele frequency attached by ClinVar (database versions not stated): gnomAD 0.00002 and 0.00003; TOPMed 0.00002; gnomAD exomes 0.00004 and 0.00005; ExAC 0.00008.

Submissions (4):

PreventionGenetics, part of Exact Sciences
Classification: Likely benign for PRPF31-related condition. Last evaluated: 2026-04-08. Review status: criteria provided, single submitter. Criteria: ACMG Guidelines, 2015. Collection method: clinical testing. Allele origin: germline.
Comment: This variant is classified as likely benign based on ACMG/AMP sequence variant interpretation guidelines (Richards et al. 2015 PMID: 25741868, with internal and published modifications).

Labcorp Genetics (formerly Invitae), Labcorp
Classification: Likely benign. Last evaluated: 2025-06-12. Review status: criteria provided, single submitter. Criteria: Invitae Variant Classification Sherloc (09022015). Collection method: clinical testing. Allele origin: germline.

Blueprint Genetics
Classification: Likely benign. Last evaluated: 2023-10-24. Review status: criteria provided, single submitter. Criteria: ACMG Guidelines, 2015. Collection method: clinical testing. Allele origin: germline.

Dr. Peter K. Rogan Lab, Western University
No classification provided (evidence only). Condition: Hepatocellular carcinoma. Review status: no classification provided. Collection method: in vitro. Allele origin: not applicable. Functional consequence: retained intron. Not counted in ClinVar's aggregate classification.